The following is an entry in ClinVar:

NM_006009.4(TUBA1A):c.1049G>T (p.Gly350Val)

Gene: TUBA1A (tubulin alpha 1a; minus strand). Cytogenetic location: 12q13.12.
Variant type: single nucleotide variant.
Coding change: c.1049G>T on transcript NM_006009.4 (MANE Select); coding-DNA position 1049, G replaced by T.
Protein change: p.Gly350Val; replaces glycine 350 with valine.
Molecular consequence: missense variant.
Genome position (GRCh38, 1-based): chr12:49,185,317, C>A on the plus strand (G>T on the coding strand, the complement: TUBA1A is on the minus strand). VCF-style: chr12-49185317-C-A. GRCh37 (hg19) VCF-style: chr12-49579100-C-A.
Other names: c.1049G>T, p.Gly350Val (NM_001270399.2); c.944G>T, p.Gly315Val (NM_001270400.2); short protein forms G350V, G315V.
Identifiers: ClinVar variation 873446 (VCV000873446.3), dbSNP rs1942166930, ClinGen allele CA384636614.
Genomic context (GRCh38, chr12:49,185,317, plus strand): 5'-TTGGCCAGGTCTCCACCAGGCACCACAGTGGGAGGCTGGTAGTTGATGCCAACCTTGAAG[C>A]CAGTGGGGCACCAATCCACAAACTGGATGGTACGCTTGGTCTTGATGGTGGCAATGGCAG-3'
Protein context (NP_006000.2, residues 340-360): TIQFVDWCPT[Gly350Val]FKVGINYQPP

ClinVar aggregate classification (germline): Pathogenic/Likely pathogenic. Review status: criteria provided, multiple submitters, no conflicts (2 of 4 stars). 2 submissions from 2 submitters: Pathogenic (1); Likely pathogenic (1). Last evaluated 2021-11-01.

Conditions:
Lissencephaly due to TUBA1A mutation (CDCBM16). Also called: CORTICAL DYSPLASIA, COMPLEX, WITH OTHER BRAIN MALFORMATIONS 16; Lissencephaly 3. Identifiers: Orphanet 171680, MedGen C4305153, MONDO:0012703, OMIM 611603.
Tubulinopathy-associated dysgyria. Identifiers: Orphanet 467166, MedGen C5568850, MONDO:0018763.

Submissions (2):

Center for Pediatrics and Adolescent Medicine, University Hospital Heidelberg
Classification: Pathogenic for Tubulinopathy-associated dysgyria. Last evaluated: 2021-11-01. Review status: criteria provided, single submitter. Criteria: ACMG Guidelines, 2015. Collection method: research. Allele origin: de novo. Inheritance: Autosomal dominant inheritance. Affected: yes. Observed: 1 heterozygote. Segregation with disease not observed.

Institute of Human Genetics, University of Leipzig Medical Center
Classification: Likely pathogenic for Lissencephaly due to TUBA1A mutation. Last evaluated: 2019-10-10. Review status: criteria provided, single submitter. Criteria: ACMG Guidelines, 2015. Collection method: clinical testing. Allele origin: de novo. Affected: yes.
Comment: The variant was identified as de novo (maternity and paternity confirmed)